The following is an entry in ClinVar:

ClinVar aggregate classification (germline): Uncertain significance (1 of 4 stars; one submission).

Conditions:
Hereditary cancer-predisposing syndrome. Also called: Tumor predisposition; Hereditary Cancer Syndrome; Hereditary neoplastic syndrome; Neoplastic Syndromes, Hereditary. Identifiers: Orphanet 140162, MedGen C0027672, MeSH D009386, MONDO:0015356.

Submission:

Ambry Genetics
Classification: Uncertain significance for Hereditary cancer-predisposing syndrome. Last evaluated: 2024-06-15. Review status: criteria provided, single submitter. Criteria: Ambry Variant Classification Scheme 2023. Collection method: clinical testing. Allele origin: germline.
Comment: The p.R2476S variant (also known as c.7428G>C), located in coding exon 15 of the APC gene, results from a G to C substitution at nucleotide position 7428. The arginine at codon 2476 is replaced by serine, an amino acid with dissimilar properties. This amino acid position is conserved. In addition, in silico predictors for this gene do not accurately predict pathogenicity. Based on the available evidence, the clinical significance of this variant remains unclear.

NM_000038.6(APC):c.7428G>C (p.Arg2476Ser)

Gene: APC (APC regulator of Wnt signaling pathway; plus strand). Cytogenetic location: 5q22.2.
Variant type: single nucleotide variant.
Coding change: c.7428G>C on transcript NM_000038.6 (MANE Select); coding-DNA position 7428, G replaced by C.
Protein change: p.Arg2476Ser; replaces arginine 2476 with serine.
Molecular consequence: missense variant. On other transcripts: non-coding transcript variant (2).
Genome position (GRCh38, 1-based): chr5:112,843,022, G>C. VCF-style: chr5-112843022-G-C. GRCh37 (hg19) VCF-style: chr5-112178719-G-C.
Other names: c.7428G>C, p.Arg2476Ser (NM_001127510.3, NM_001354895.2, NM_001407450.1); c.7374G>C, p.Arg2458Ser (NM_001127511.3); c.7482G>C, p.Arg2494Ser (NM_001354896.2, NM_001407447.1, NM_001407448.1 and 1 more transcripts); c.7458G>C, p.Arg2486Ser (NM_001354897.2); c.7353G>C, p.Arg2451Ser (NM_001354898.2); c.7344G>C, p.Arg2448Ser (NM_001354899.2); c.7305G>C, p.Arg2435Ser (NM_001354900.2); c.7251G>C, p.Arg2417Ser (NM_001354901.2, NM_001407453.1); and 11 more; short protein forms R2193S, R2350S, R2451S, R2476S, R2504S, R2316S, R2393S, R2417S.
Identifiers: ClinVar variation 3305917 (VCV003305917.1).